The following is an entry in ClinVar:

NM_004177.5(STX3):c.177_178del (p.Tyr60fs)

Gene: STX3 (syntaxin 3; plus strand). Cytogenetic location: 11q12.1.
Variant type: Microsatellite.
Coding change: c.177_178del on transcript NM_004177.5 (MANE Select); coding-DNA positions 177 to 178, 2 bases deleted (CT; older notation c.177_178delCT).
Protein change: p.Tyr60fs; shifts the reading frame from tyrosine 60.
Molecular consequence: frameshift variant.
Genome position (GRCh38, 1-based): chr11:59,787,099-59,787,100, CT deleted; deleting any 2 consecutive bases within chr11:59,787,097-59,787,100 gives the same sequence; the c. name uses the placement nearest the transcript's 3' end. VCF-style (leftmost placement, unchanged base first): chr11-59787096-ACT-A. GRCh37 (hg19) VCF-style: chr11-59554569-ACT-A.
Other names: 2-BP DEL, 177CT; c.177_178delCT (NM_004177.5); c.175_176CT[1], p.Tyr60Glnfs (NM_001178040.3); short protein forms Y60fs.
Identifiers: ClinVar variation 1070995 (VCV001070995.10), dbSNP rs1359585490, ClinGen allele CA678835073.

ClinVar aggregate classification (germline): Pathogenic. Review status: criteria provided, single submitter (1 of 4 stars). 2 submissions from 2 submitters: Pathogenic (1). 1 of the submissions does not count toward it. Last evaluated 2022-07-19.

Conditions:
Retinal dystrophy and microvillus inclusion disease. Identifiers: MedGen C5561943, MONDO:0859170, OMIM 619446.

Submissions (2):

Labcorp Genetics (formerly Invitae), Labcorp
Classification: Pathogenic. Last evaluated: 2022-07-19. Review status: criteria provided, single submitter. Criteria: Invitae Variant Classification Sherloc (09022015). Collection method: clinical testing. Allele origin: germline.
Comment: For these reasons, this variant has been classified as Pathogenic. Algorithms developed to predict the effect of sequence changes on RNA splicing suggest that this variant may disrupt the consensus splice site. This premature translational stop signal has been observed in individual(s) with clinical features of STX3-related conditions (PMID: 33974130). This variant is not present in population databases (gnomAD no frequency). This sequence change creates a premature translational stop signal (p.Tyr60Glnfs*16) in the STX3 gene. It is expected to result in an absent or disrupted protein product. Loss-of-function variants in STX3 are known to be pathogenic (PMID: 24726755).

OMIM
Classification: Pathogenic for RETINAL DYSTROPHY AND MICROVILLUS INCLUSION DISEASE. Last evaluated: 2025-10-24. Review status: no assertion criteria provided. Collection method: literature only. Allele origin: germline. Not counted in ClinVar's aggregate classification.

Literature cited by the submitters: PubMed 33974130 (cited by Labcorp Genetics (formerly Invitae), Labcorp and OMIM); PubMed 24726755 (cited by Labcorp Genetics (formerly Invitae), Labcorp).